The following is an entry in ClinVar:

NM_022455.5(NSD1):c.6502G>A (p.Gly2168Arg)

Gene: NSD1 (nuclear receptor binding SET domain protein 1; plus strand). Cytogenetic location: 5q35.3.
Variant type: single nucleotide variant.
Coding change: c.6502G>A on transcript NM_022455.5 (MANE Select); coding-DNA position 6502, G replaced by A.
Protein change: p.Gly2168Arg; replaces glycine 2168 with arginine.
Molecular consequence: missense variant.
Genome position (GRCh38, 1-based): chr5:177,293,870, G>A. VCF-style: chr5-177293870-G-A. GRCh37 (hg19) VCF-style: chr5-176720871-G-A.
Other names: c.5629G>A, p.Gly1877Arg (NM_001365684.2, NM_001409308.1, NM_172349.5); c.6502G>A, p.Gly2168Arg (NM_001409301.1, NM_001409302.1, NM_001409303.1); c.6082G>A, p.Gly2028Arg (NM_001409304.1); c.5749G>A, p.Gly1917Arg (NM_001409305.1); c.5740G>A, p.Gly1914Arg (NM_001409306.1, NM_001409307.1); c.5380G>A, p.Gly1794Arg (NM_001409309.1); short protein forms G1794R, G1877R, G1914R, G1917R, G2028R, G2168R.
Identifiers: ClinVar variation 2682194 (VCV002682194.1), dbSNP rs1260544167, ClinGen allele CA362323505.

ClinVar aggregate classification (germline): Uncertain significance (1 of 4 stars; one submission).

Allele frequency attached by ClinVar (database versions not stated): gnomAD exomes below 0.00001; gnomAD 0.00001; TOPMed 0.00001.
gnomAD v4.1: 5 of 1,613,900 alleles (0.00031%); highest among the groups gnomAD compares: East Asian, 0.0022%; no homozygotes.

Submission:

Women's Health and Genetics/Laboratory Corporation of America, LabCorp
Classification: Uncertain significance. Last evaluated: 2023-11-20. Review status: criteria provided, single submitter. Criteria: LabCorp Variant Classification Summary - May 2015. Collection method: clinical testing. Allele origin: germline.
Comment: Variant summary: NSD1 c.6502G>A (p.Gly2168Arg) results in a non-conservative amino acid change located in the NSD, Cys-His rich domain (IPR041306) of the encoded protein sequence. Four of five in-silico tools predict a damaging effect of the variant on protein function. The variant was absent in 251418 control chromosomes (gnomAD). The available data on variant occurrences in the general population are insufficient to allow any conclusion about variant significance. To our knowledge, no occurrence of c.6502G>A in individuals affected with Sotos Syndrome and no experimental evidence demonstrating its impact on protein function have been reported. No submitters have cited clinical-significance assessments for this variant to ClinVar after 2014. Based on the evidence outlined above, the variant was classified as uncertain significance.